The following is an entry in ClinVar:

NM_001079866.2(BCS1L):c.793C>T (p.Arg265Ter)

Gene: BCS1L (BCS1 ubiquinol-cytochrome c reductase complex chaperone; plus strand). Cytogenetic location: 2q35.
Variant type: single nucleotide variant.
Coding change: c.793C>T on transcript NM_001079866.2 (MANE Select); coding-DNA position 793, C replaced by T.
Protein change: p.Arg265Ter; replaces arginine 265 with a stop codon.
Molecular consequence: nonsense. On other transcripts: non-coding transcript variant (1).
Genome position (GRCh38, 1-based): chr2:218,662,583, C>T. VCF-style: chr2-218662583-C-T. GRCh37 (hg19) VCF-style: chr2-219527306-C-T.
Other names: c.793C>T, p.Arg265Ter (NM_001257342.2, NM_001257343.2, NM_001257344.2 and 10 more transcripts); c.433C>T, p.Arg145Ter (NM_001318836.2, NM_001371451.1); c.292C>T, p.Arg98Ter (NM_001371452.1, NM_001371453.1, NM_001371454.1 and 3 more transcripts); short protein forms R265*, R145*, R98*.
Identifiers: ClinVar variation 2184969 (VCV002184969.7), dbSNP rs1939594732, ClinGen allele CA350630271.

ClinVar aggregate classification (germline): Pathogenic/Likely pathogenic. Review status: criteria provided, multiple submitters, no conflicts (2 of 4 stars). 3 submissions from 3 submitters: Pathogenic (1); Likely pathogenic (2). Last evaluated 2025-10-09.

Conditions:
GRACILE syndrome (FLNMS). Also called: FELLMAN SYNDROME; FINNISH LETHAL NEONATAL METABOLIC SYNDROME. Identifiers: Orphanet 53693, MedGen C1864002, MONDO:0011308, OMIM 603358.
Pili torti-deafness syndrome (BJS). Also called: Bjornstad syndrome; PILI TORTI AND NERVE DEAFNESS. Identifiers: Orphanet 123, MedGen C0266006, MONDO:0009872, OMIM 262000.

Allele frequency attached by ClinVar (database versions not stated): gnomAD exomes below 0.00001; TOPMed below 0.00001.
gnomAD v4.1: 3 of 1,614,188 alleles (0.00019%); highest among the groups gnomAD compares: South Asian, 0.0011%; no homozygotes.

Submissions (3):

Natera, Inc.
Classification: Likely pathogenic for GRACILE syndrome. Last evaluated: 2025-10-09. Review status: criteria provided, single submitter. Criteria: Natera Variant Classification Schema (03/2026). Collection method: clinical testing. Allele origin: germline.
Comment: The c.793C>T variant in BCS1L is a nonsense variant predicted to introduce a stop codon at amino acid 265. This variant is expected to result in nonsense mediated decay, truncation, or a dysfunctional protein product. This variant is rare in the general population with a frequency below the threshold expected for the associated phenotype(s). Given the available evidence, this variant is classified as Likely Pathogenic.

Baylor Genetics
Classification: Likely pathogenic for Pili torti-deafness syndrome. Last evaluated: 2023-12-08. Review status: criteria provided, single submitter. Criteria: ACMG Guidelines, 2015. Collection method: clinical testing. Allele origin: unknown.

Labcorp Genetics (formerly Invitae), Labcorp
Classification: Pathogenic. Last evaluated: 2023-01-28. Review status: criteria provided, single submitter. Criteria: Invitae Variant Classification Sherloc (09022015). Collection method: clinical testing. Allele origin: germline.
Comment: For these reasons, this variant has been classified as Pathogenic. This variant has not been reported in the literature in individuals affected with BCS1L-related conditions. This variant is not present in population databases (gnomAD no frequency). This sequence change creates a premature translational stop signal (p.Arg265*) in the BCS1L gene. It is expected to result in an absent or disrupted protein product. Loss-of-function variants in BCS1L are known to be pathogenic (PMID: 12215968, 17314340, 19162478, 19508421, 22277166, 25895478).

Literature cited by the submitters: PubMed 12215968 (cited by Labcorp Genetics (formerly Invitae), Labcorp); PubMed 17314340 (cited by Labcorp Genetics (formerly Invitae), Labcorp); PubMed 19162478 (cited by Labcorp Genetics (formerly Invitae), Labcorp); PubMed 19508421 (cited by Labcorp Genetics (formerly Invitae), Labcorp); PubMed 22277166 (cited by Labcorp Genetics (formerly Invitae), Labcorp); PubMed 25895478 (cited by Labcorp Genetics (formerly Invitae), Labcorp).